The following is an entry in ClinVar:

NM_002469.3(MYF6):c.104C>T (p.Pro35Leu)

Gene: MYF6 (myogenic factor 6; plus strand). Cytogenetic location: 12q21.31.
Variant type: single nucleotide variant.
Coding change: c.104C>T on transcript NM_002469.3 (MANE Select); coding-DNA position 104, C replaced by T.
Protein change: p.Pro35Leu; replaces proline 35 with leucine.
Molecular consequence: missense variant.
Genome position (GRCh38, 1-based): chr12:80,707,823, C>T. VCF-style: chr12-80707823-C-T. GRCh37 (hg19) VCF-style: chr12-81101602-C-T.
Other names: short protein forms P35L.
Identifiers: ClinVar variation 1400907 (VCV001400907.9), dbSNP rs2121343603, ClinGen allele CA385861601.

ClinVar aggregate classification (germline): Uncertain significance (1 of 4 stars; one submission).

Conditions:
Autosomal dominant centronuclear myopathy. Also called: MYOTUBULAR MYOPATHY, AUTOSOMAL DOMINANT; Myopathy, centronuclear, 3. Identifiers: Orphanet 169189, MedGen C4551952, MeSH D020914, MONDO:0008048, OMIM 160150.

Submission:

Labcorp Genetics (formerly Invitae), Labcorp
Classification: Uncertain significance for Autosomal dominant centronuclear myopathy. Last evaluated: 2020-12-29. Review status: criteria provided, single submitter. Criteria: Invitae Variant Classification Sherloc (09022015). Collection method: clinical testing. Allele origin: germline.
Comment: This variant is not present in population databases (ExAC no frequency). In summary, the available evidence is currently insufficient to determine the role of this variant in disease. Therefore, it has been classified as a Variant of Uncertain Significance. Algorithms developed to predict the effect of missense changes on protein structure and function are either unavailable or do not agree on the potential impact of this missense change (SIFT: "Tolerated"; PolyPhen-2: "Probably Damaging"; Align-GVGD: "Class C15"). This variant has not been reported in the literature in individuals with MYF6-related conditions. This sequence change replaces proline with leucine at codon 35 of the MYF6 protein (p.Pro35Leu). The proline residue is moderately conserved and there is a moderate physicochemical difference between proline and leucine.